The following is an entry in ClinVar:

ClinVar aggregate classification (germline): Uncertain significance (1 of 4 stars; one submission).

Conditions:
Inborn genetic diseases. Identifiers: MedGen C0950123, MeSH D030342.

Submission:

Ambry Genetics
Classification: Uncertain significance for Inborn genetic diseases. Last evaluated: 2019-12-26. Review status: criteria provided, single submitter. Criteria: Ambry Variant Classification Scheme 2023. Collection method: clinical testing. Allele origin: germline.
Comment: The alteration results in an amino acid change:_x000D_ _x000D_ The c.303T>G (p.C101W) alteration is located in coding exon 4 of the PDHA1 gene. This alteration results from a T to G substitution at nucleotide position 303, causing the cysteine (C) at amino acid position 101 to be replaced by a tryptophan (W). The alteration is not observed in population databases: _x000D_ _x000D_ Based on data from the Genome Aggregation Database (gnomAD), the PDHA1 c.303T>G alteration was not observed, with coverage at this position. Alterations at the same codon has been observed in affected individuals:_x000D_ _x000D_ Missense changes in the same amino acid have been previously reported in the literature. The altered amino acid is conserved throughout evolution:_x000D_ _x000D_ The p.C101 amino acid is conserved through mammals and reptiles. The alteration is predicted deleterious by in silico modeling:_x000D_ _x000D_ The p.C101W alteration is predicted to be deleterious by in silico analysis. Based on insufficient or conflicting evidence, the clinical significance of this alteration remains unclear.

Literature cited by the submitters: PubMed 10872106; PubMed 28918066.

NM_000284.4(PDHA1):c.303T>G (p.Cys101Trp)

Gene: PDHA1 (pyruvate dehydrogenase E1 subunit alpha 1; plus strand). Cytogenetic location: Xp22.12.
Variant type: single nucleotide variant.
Coding change: c.303T>G on transcript NM_000284.4 (MANE Select); coding-DNA position 303, T replaced by G.
Protein change: p.Cys101Trp; replaces cysteine 101 with tryptophan.
Molecular consequence: missense variant.
Genome position (GRCh38, 1-based): chrX:19,351,292, T>G. VCF-style: chrX-19351292-T-G. GRCh37 (hg19) VCF-style: chrX-19369410-T-G.
Other names: c.417T>G, p.Cys139Trp (NM_001173454.2); c.324T>G, p.Cys108Trp (NM_001173455.2); c.303T>G, p.Cys101Trp (NM_001173456.2); short protein forms C101W, C108W, C139W.
Identifiers: ClinVar variation 986050 (VCV000986050.4), dbSNP rs2063161548, ClinGen allele CA412390889.